The following is an entry in ClinVar:

ClinVar aggregate classification (germline): Likely benign (1 of 4 stars; one submission).

Conditions:
PLXNA3-related disorder. Also called: PLXNA3-related condition.

gnomAD v4.1: 48 of 1,196,237 alleles (0.004%); highest among the groups gnomAD compares: East Asian, 0.11%; no homozygotes.

Submission:

PreventionGenetics, part of Exact Sciences
Classification: Likely benign for PLXNA3-related condition. Last evaluated: 2024-12-10. Review status: criteria provided, single submitter. Criteria: ACMG Guidelines, 2015. Collection method: clinical testing. Allele origin: germline.
Comment: This variant is classified as likely benign based on ACMG/AMP sequence variant interpretation guidelines (Richards et al. 2015 PMID: 25741868, with internal and published modifications).

NM_017514.5(PLXNA3):c.2245-3C>T

Gene: PLXNA3 (plexin A3; plus strand). Cytogenetic location: Xq28.
Variant type: single nucleotide variant.
Coding change: c.2245-3C>T on transcript NM_017514.5 (MANE Select); 3 bases into the intron before coding-DNA position 2245, C replaced by T.
Molecular consequence: intron variant.
Genome position (GRCh38, 1-based): chrX:154,465,421, C>T. VCF-style: chrX-154465421-C-T. GRCh37 (hg19) VCF-style: chrX-153693764-C-T.
Identifiers: ClinVar variation 4978962 (VCV004978962.1).